The following is an entry in ClinVar:

NM_014391.3(ANKRD1):c.346-21ATTT[4]

Gene: ANKRD1 (ankyrin repeat domain 1; minus strand). Cytogenetic location: 10q23.31.
Variant type: Microsatellite.
Coding change: c.346-21ATTT[4] on transcript NM_014391.3 (MANE Select); four copies in a row of the 4-base unit ATTT starting at c.346-21; the reference has three copies in a row; one copy, 4 bases duplicated.
Molecular consequence: intron variant.
Genome position (GRCh38, 1-based): chr10:90,918,982-90,918,985, AAAT duplicated on the plus strand (ATTT on the coding strand, the reverse complement: ANKRD1 is on the minus strand); duplicating any 4 consecutive bases within chr10:90,918,982-90,918,994 gives the same sequence; the position shown is the placement nearest the transcript's 3' end. VCF-style (leftmost placement, unchanged base first): chr10-90918981-A-AAAAT. GRCh37 (hg19) VCF-style: chr10-92678738-A-AAAAT.
Other names: c.346-13_346-10dupATTT (NM_014391.2, NM_014391.3).
Identifiers: ClinVar variation 416999 (VCV000416999.14), dbSNP rs397517250, ClinGen allele CA5598749.

ClinVar aggregate classification (germline): Benign/Likely benign. Review status: criteria provided, multiple submitters, no conflicts (2 of 4 stars). 3 submissions from 3 submitters: Benign (1); Likely benign (1). 1 of the submissions does not count toward it. Last evaluated 2026-01-20.

Conditions:
ANKRD1-related disorder. Also called: ANKRD1-related condition.
ANKRD1-related dilated cardiomyopathy. Identifiers: MedGen CN119551.

Submissions (3):

Labcorp Genetics (formerly Invitae), Labcorp
Classification: Likely benign for ANKRD1-related dilated cardiomyopathy. Last evaluated: 2026-01-20. Review status: criteria provided, single submitter. Criteria: Invitae Variant Classification Sherloc (09022015). Collection method: clinical testing. Allele origin: germline.

Women's Health and Genetics/Laboratory Corporation of America, LabCorp
Classification: Benign. Last evaluated: 2025-02-10. Review status: criteria provided, single submitter. Criteria: LabCorp Variant Classification Summary - May 2015. Collection method: clinical testing. Allele origin: germline.
Comment: Variant summary: ANKRD1 c.346-13_346-10dupATTT alters a nucleotide located at a position not widely known to affect splicing. Consensus agreement among computation tools predict no significant impact on normal splicing. However, these predictions have yet to be confirmed by functional studies. The variant allele was found at a frequency of 0.00015 in 1307092 control chromosomes, predominantly at a frequency of 0.0037 within the African or African-American subpopulation in the gnomAD database, including 9 homozygotes. The observed variant frequency within African or African-American control individuals in the gnomAD database is approximately 150-fold of the estimated maximal expected allele frequency for a pathogenic variant in ANKRD1 causing Cardiomyopathy phenotype (2.5e-05). To our knowledge, no occurrence of c.346-13_346-10dupATTT in individuals affected with Cardiomyopathy and no experimental evidence demonstrating its impact on protein function have been reported. ClinVar contains an entry for this variant (Variation ID: 416999). Based on the evidence outlined above, the variant was classified as benign.

PreventionGenetics, part of Exact Sciences
Classification: Likely benign for ANKRD1-related condition. Last evaluated: 2019-04-01. Review status: no assertion criteria provided. Collection method: clinical testing. Allele origin: germline. Not counted in ClinVar's aggregate classification.
Comment: This variant is classified as likely benign based on ACMG/AMP sequence variant interpretation guidelines (Richards et al. 2015 PMID: 25741868, with internal and published modifications).